The following is an entry in ClinVar:

ClinVar aggregate classification (germline): Uncertain significance (1 of 4 stars; one submission).

Conditions:
MEGF10-related myopathy (CMYO10A). Also called: Congenital myopathy 10A, severe variant. Identifiers: Orphanet 439212, MedGen C3280679, MONDO:0013731, OMIM 614399.

Allele frequency attached by ClinVar (database versions not stated): gnomAD exomes below 0.00001; TOPMed 0.00002; gnomAD 0.00003 and 0.00004.
gnomAD v4.1: 7 of 1,613,990 alleles (0.00043%); highest among the groups gnomAD compares: Non-Finnish European, 0.00042%; no homozygotes.

Submission:

Labcorp Genetics (formerly Invitae), Labcorp
Classification: Uncertain significance for MEGF10-related myopathy. Last evaluated: 2021-09-01. Review status: criteria provided, single submitter. Criteria: Invitae Variant Classification Sherloc (09022015). Collection method: clinical testing. Allele origin: germline.
Comment: This sequence change replaces proline with serine at codon 552 of the MEGF10 protein (p.Pro552Ser). The proline residue is moderately conserved and there is a moderate physicochemical difference between proline and serine. This variant is not present in population databases (ExAC no frequency). This variant has not been reported in the literature in individuals affected with MEGF10-related conditions. Algorithms developed to predict the effect of missense changes on protein structure and function output the following: SIFT: "Tolerated"; PolyPhen-2: "Benign"; Align-GVGD: "Class C0". The serine amino acid residue is found in multiple mammalian species, which suggests that this missense change does not adversely affect protein function. In summary, the available evidence is currently insufficient to determine the role of this variant in disease. Therefore, it has been classified as a Variant of Uncertain Significance.

NM_001256545.2(MEGF10):c.1654C>T (p.Pro552Ser)

Gene: MEGF10 (multiple EGF like domains 10; plus strand). Cytogenetic location: 5q23.2.
Variant type: single nucleotide variant.
Coding change: c.1654C>T on transcript NM_001256545.2 (MANE Select); coding-DNA position 1654, C replaced by T.
Protein change: p.Pro552Ser; replaces proline 552 with serine.
Molecular consequence: missense variant.
Genome position (GRCh38, 1-based): chr5:127,422,733, C>T. VCF-style: chr5-127422733-C-T. GRCh37 (hg19) VCF-style: chr5-126758425-C-T.
Other names: c.1654C>T, p.Pro552Ser (NM_001308119.2, NM_001308121.2, NM_032446.3); short protein forms P552S.
Identifiers: ClinVar variation 539957 (VCV000539957.6), dbSNP rs978960737, ClinGen allele CA126951167.
Genomic context (GRCh38, chr5:127,422,733, plus strand): 5'-GGCACGTACGGGCTGAACTGTGCTGAGCGCTGCGACTGCAGCCACGCAGATGGCTGCCAC[C>T]CTACCACGGGCCATTGCCGCTGCCTCCCCGGATGGTCAGGTGAGAGCCAAGGACCGCTAA-3'
Protein context (NP_001243474.1, residues 542-562): CDCSHADGCH[Pro552Ser]TTGHCRCLPG